The following is an entry in ClinVar:

NM_000264.5(PTCH1):c.614A>C (p.Lys205Thr)

Gene: PTCH1 (patched 1; minus strand). Cytogenetic location: 9q22.32.
Variant type: single nucleotide variant.
Coding change: c.614A>C on transcript NM_000264.5 (MANE Select); coding-DNA position 614, A replaced by C.
Protein change: p.Lys205Thr; replaces lysine 205 with threonine.
Molecular consequence: missense variant. On other transcripts: non-coding transcript variant (1).
Genome position (GRCh38, 1-based): chr9:95,482,174, T>G on the plus strand (A>C on the coding strand, the complement: PTCH1 is on the minus strand). VCF-style: chr9-95482174-T-G. GRCh37 (hg19) VCF-style: chr9-98244456-T-G.
Other names: c.161A>C, p.Lys54Thr (NM_001083607.3, NM_001083604.3, NM_001083605.3 and 1 more transcripts); c.614A>C, p.Lys205Thr (NM_001354918.2); c.416A>C, p.Lys139Thr (NM_001354919.2, NM_001083602.3); c.611A>C, p.Lys204Thr (NM_001083603.3); short protein forms K204T, K139T, K205T, K54T.
Identifiers: ClinVar variation 1037036 (VCV001037036.11), dbSNP rs1841595401, ClinGen allele CA374115098.

ClinVar aggregate classification (germline): Uncertain significance. Review status: criteria provided, multiple submitters, no conflicts (2 of 4 stars). 2 submissions from 2 submitters: Uncertain significance (2). Last evaluated 2024-01-29.

Conditions:
Gorlin syndrome. Also called: Basal cell nevus syndrome; Nevoid Basal Cell Carcinoma Syndrome. Identifiers: Orphanet 377, MedGen C0004779, MONDO:0007187.
Hereditary cancer-predisposing syndrome. Also called: Neoplastic Syndromes, Hereditary; Hereditary Cancer Syndrome; Tumor predisposition; Hereditary neoplastic syndrome. Identifiers: Orphanet 140162, MedGen C0027672, MeSH D009386, MONDO:0015356.

Submissions (2):

Ambry Genetics
Classification: Uncertain significance for Hereditary cancer-predisposing syndrome. Last evaluated: 2024-01-29. Review status: criteria provided, single submitter. Criteria: Ambry Variant Classification Scheme 2023. Collection method: clinical testing. Allele origin: germline.
Comment: The p.K205T variant (also known as c.614A>C), located in coding exon 4 of the PTCH1 gene, results from an A to C substitution at nucleotide position 614. The lysine at codon 205 is replaced by threonine, an amino acid with similar properties. This amino acid position is highly conserved in available vertebrate species. In addition, this alteration is predicted to be deleterious by in silico analysis. Since supporting evidence is limited at this time, the clinical significance of this alteration remains unclear.

Labcorp Genetics (formerly Invitae), Labcorp
Classification: Uncertain significance for Gorlin syndrome. Last evaluated: 2020-08-07. Review status: criteria provided, single submitter. Criteria: Invitae Variant Classification Sherloc (09022015). Collection method: clinical testing. Allele origin: germline.
Comment: This sequence change replaces lysine with threonine at codon 205 of the PTCH1 protein (p.Lys205Thr). The lysine residue is highly conserved and there is a moderate physicochemical difference between lysine and threonine. This variant is not present in population databases (ExAC no frequency). This variant has not been reported in the literature in individuals with PTCH1-related conditions. Algorithms developed to predict the effect of missense changes on protein structure and function (SIFT, PolyPhen-2, Align-GVGD) all suggest that this variant is likely to be tolerated, but these predictions have not been confirmed by published functional studies and their clinical significance is uncertain. In summary, the available evidence is currently insufficient to determine the role of this variant in disease. Therefore, it has been classified as a Variant of Uncertain Significance.